The following is an entry in ClinVar:

NM_006757.4(TNNT3):c.41A>G (p.Glu14Gly)

Gene: TNNT3 (troponin T3, fast skeletal type; plus strand). Cytogenetic location: 11p15.5.
Variant type: single nucleotide variant.
Coding change: c.41A>G on transcript NM_006757.4 (MANE Select); coding-DNA position 41, A replaced by G.
Protein change: p.Glu14Gly; replaces glutamic acid 14 with glycine.
Molecular consequence: missense variant. On other transcripts: intron variant (3).
Genome position (GRCh38, 1-based): chr11:1,923,564, A>G. VCF-style: chr11-1923564-A-G. GRCh37 (hg19) VCF-style: chr11-1944794-A-G.
Other names: c.41A>G, p.Glu14Gly (NM_001042780.3, NM_001042781.3, NM_001042782.3 and 10 more transcripts); c.-99+673A>G (NM_001367851.1); c.31+503A>G (NM_001367849.1); c.-117+673A>G (NM_001367852.1); short protein forms E14G.
Identifiers: ClinVar variation 2872526 (VCV002872526.3), dbSNP rs2494361899, ClinGen allele CA379093856.
Genomic context (GRCh38, chr11:1,923,564, plus strand): 5'-ACGGGCTGCCCCTTCTAACGTGGTTCCCCTCTTTGTTCTGTCCCAATGCAGAGCAGTACG[A>G]AGAAGAAGGTAATTCTGGCAACCACCGGAAGCCCCCCCAGCCCCTCCTTGGAACTTAACC-3'
Protein context (NP_006748.1, residues 4-24): EEVEQVEEQY[Glu14Gly]EEEEAQEEEE

ClinVar aggregate classification (germline): Uncertain significance (1 of 4 stars; one submission).

Submission:

Labcorp Genetics (formerly Invitae), Labcorp
Classification: Uncertain significance. Last evaluated: 2023-09-09. Review status: criteria provided, single submitter. Criteria: Invitae Variant Classification Sherloc (09022015). Collection method: clinical testing. Allele origin: germline.
Comment: In summary, the available evidence is currently insufficient to determine the role of this variant in disease. Therefore, it has been classified as a Variant of Uncertain Significance. Experimental studies and prediction algorithms are not available or were not evaluated, and the functional significance of this variant is currently unknown. This variant has not been reported in the literature in individuals affected with TNNT3-related conditions. This variant is not present in population databases (gnomAD no frequency). This sequence change replaces glutamic acid, which is acidic and polar, with glycine, which is neutral and non-polar, at codon 14 of the TNNT3 protein (p.Glu14Gly).